The following is an entry in ClinVar:

ClinVar aggregate classification (germline): Uncertain significance (1 of 4 stars; one submission).

Conditions:
BBS5-related disorder. Also called: BBS5-related condition.

gnomAD v4.1: 18 of 1,613,894 alleles (0.0011%); highest among the groups gnomAD compares: Non-Finnish European, 0.0014%; no homozygotes.

Submission:

PreventionGenetics, part of Exact Sciences
Classification: Uncertain significance for BBS5-related condition. Last evaluated: 2025-03-12. Review status: criteria provided, single submitter. Criteria: ACMG Guidelines, 2015. Collection method: clinical testing. Allele origin: germline.
Comment: The BBS5 c.770A>C variant is predicted to result in the amino acid substitution p.Tyr257Ser. To our knowledge, this variant has not been reported in the literature or in a large population database (gnomAD), indicating this variant is rare. At this time, the clinical significance of this variant is uncertain due to the absence of conclusive functional and genetic evidence.

NM_152384.3(BBS5):c.770A>C (p.Tyr257Ser)

Gene: BBS5 (Bardet-Biedl syndrome 5; plus strand). Cytogenetic location: 2q31.1.
Variant type: single nucleotide variant.
Coding change: c.770A>C on transcript NM_152384.3 (MANE Select); coding-DNA position 770, A replaced by C.
Protein change: p.Tyr257Ser; replaces tyrosine 257 with serine.
Molecular consequence: missense variant.
Genome position (GRCh38, 1-based): chr2:169,499,574, A>C. VCF-style: chr2-169499574-A-C. GRCh37 (hg19) VCF-style: chr2-170356084-A-C.
Other names: short protein forms Y257S.
Identifiers: ClinVar variation 4987527 (VCV004987527.1).
Genomic context (GRCh38, chr2:169,499,574, plus strand): 5'-TAGATCCTGTGGAAAAACTACAAGAATCAGTTAAGGAAATCAATTCACTTCACAAAGTCT[A>C]TTCTGCCAGTCCCATATTTGGAGTTGATTATGAGATGGAAGAAAAGGTAATTTGTTGAGT-3'
Protein context (NP_689597.1, residues 247-267): VKEINSLHKV[Tyr257Ser]SASPIFGVDY